The following is an entry in ClinVar:

ClinVar aggregate classification (germline): Pathogenic/Likely pathogenic. Review status: criteria provided, multiple submitters, no conflicts (2 of 4 stars). 2 submissions from 2 submitters: Pathogenic (1); Likely pathogenic (1). Last evaluated 2024-05-14.

Conditions:
Hermansky-Pudlak syndrome 3 (HPS3). Identifiers: Orphanet 231512, Orphanet 79430, MedGen C3888001, MONDO:0013555, OMIM 614072.

Submissions (2):

Myriad Genetics, Inc.
Classification: Pathogenic for Hermansky-Pudlak syndrome 3. Last evaluated: 2024-05-14. Review status: criteria provided, single submitter. Criteria: Myriad Autosomal Dominant, Autosomal Recessive and X-Linked Classification Criteria (2023). Collection method: clinical testing. Allele origin: unknown.
Comment: NM_032383.3(HPS3):c.2155C>T(Q719*) is expected to be pathogenic in the context of Hermansky-Pudlak syndrome, HPS3-related. This variant is predicted to lead to an abnormal or absent protein product due to the creation of a premature termination codon in HPS3, a gene where loss-of-function variants are known to be pathogenic. Please note: this variant was assessed in the context of healthy population screening.

Baylor Genetics
Classification: Likely pathogenic for Hermansky-Pudlak syndrome 3. Last evaluated: 2023-03-12. Review status: criteria provided, single submitter. Criteria: ACMG Guidelines, 2015. Collection method: clinical testing. Allele origin: unknown.

NM_032383.5(HPS3):c.2155C>T (p.Gln719Ter)

Gene: HPS3 (HPS3 biogenesis of lysosomal organelles complex 2 subunit 1; plus strand). Cytogenetic location: 3q24.
Variant type: single nucleotide variant.
Coding change: c.2155C>T on transcript NM_032383.5 (MANE Select); coding-DNA position 2155, C replaced by T.
Protein change: p.Gln719Ter; replaces glutamine 719 with a stop codon.
Molecular consequence: nonsense.
Genome position (GRCh38, 1-based): chr3:149,162,196, C>T. VCF-style: chr3-149162196-C-T. GRCh37 (hg19) VCF-style: chr3-148879983-C-T.
Other names: c.1660C>T, p.Gln554Ter (NM_001308258.2); short protein forms Q554*, Q719*.
Identifiers: ClinVar variation 2676085 (VCV002676085.2), dbSNP rs2473120193, ClinGen allele CA354923934.